The following is an entry in ClinVar:

ClinVar aggregate classification (germline): Uncertain significance (1 of 4 stars; one submission).

Conditions:
Spastic paraplegia. Identifiers: MedGen C0037772, HP:0001258.

Submission:

Labcorp Genetics (formerly Invitae), Labcorp
Classification: Uncertain significance for Spastic paraplegia. Last evaluated: 2023-02-08. Review status: criteria provided, single submitter. Criteria: Invitae Variant Classification Sherloc (09022015). Collection method: clinical testing. Allele origin: germline.
Comment: In summary, the available evidence is currently insufficient to determine the role of this variant in disease. Therefore, it has been classified as a Variant of Uncertain Significance. Algorithms developed to predict the effect of missense changes on protein structure and function (SIFT, PolyPhen-2, Align-GVGD) all suggest that this variant is likely to be tolerated. This variant has not been reported in the literature in individuals affected with KIF5A-related conditions. This variant is not present in population databases (gnomAD no frequency). This sequence change replaces valine, which is neutral and non-polar, with leucine, which is neutral and non-polar, at codon 248 of the KIF5A protein (p.Val248Leu).

NM_004984.4(KIF5A):c.742G>T (p.Val248Leu)

Gene: KIF5A (kinesin family member 5A; plus strand). Cytogenetic location: 12q13.3.
Variant type: single nucleotide variant.
Coding change: c.742G>T on transcript NM_004984.4 (MANE Select); coding-DNA position 742, G replaced by T.
Protein change: p.Val248Leu; replaces valine 248 with leucine.
Molecular consequence: missense variant.
Genome position (GRCh38, 1-based): chr12:57,568,990, G>T. VCF-style: chr12-57568990-G-T. GRCh37 (hg19) VCF-style: chr12-57962773-G-T.
Other names: c.475G>T, p.Val159Leu (NM_001354705.2); short protein forms V248L, V159L.
Identifiers: ClinVar variation 2779248 (VCV002779248.3), dbSNP rs151129834, ClinGen allele CA385499923.